The following is an entry in ClinVar:

ClinVar aggregate classification (germline): Uncertain significance. Review status: criteria provided, multiple submitters, no conflicts (2 of 4 stars). 3 submissions from 3 submitters: Uncertain significance (2). 1 of the submissions does not count toward it. Last evaluated 2024-02-01.

Conditions:
Autosomal recessive Alport syndrome (ATS2). Also called: Alport syndrome type 2; COL4A3-Related Nephropathy; ALPORT SYNDROME 2, AUTOSOMAL RECESSIVE; COL4A4 Alport Syndrome and Thin Basement Membrane Nephropathy. Identifiers: Orphanet 63, Orphanet 88919, MedGen C4746745, MONDO:0008762, OMIM 203780.
Hematuria, benign familial, 1 (BFH1). Also called: THIN MEMBRANE NEPHROPATHY. Identifiers: MedGen CN376803, MONDO:0007709, OMIM 141200.
Alport syndrome. Also called: Hemorrhagic familial nephritis; Hemorrhagic hereditary nephritis; Congenital hereditary hematuria. Identifiers: Orphanet 63, MedGen C1567741, MONDO:0018965.

gnomAD v4.1: 1 of 1,613,156 alleles (0.000062%); highest among the groups gnomAD compares: African/African-American, 0.0013%; no homozygotes.

Submissions (3):

Fulgent Genetics
Classification: Uncertain significance for Hematuria, benign familial, 1; Autosomal recessive Alport syndrome. Last evaluated: 2024-02-01. Review status: criteria provided, single submitter. Criteria: ACMG Guidelines, 2015. Collection method: clinical testing. Allele origin: germline.

GeneDx
Classification: Uncertain significance. Last evaluated: 2019-09-17. Review status: criteria provided, single submitter. Criteria: GeneDx Variant Classification Process June 2021. Collection method: clinical testing. Allele origin: germline. Affected: yes.
Comment: Not observed in large population cohorts (Lek et al., 2016); In silico analysis, which includes protein predictors and evolutionary conservation, supports that this variant does not alter protein structure/function; Has not been previously published as pathogenic or benign to our knowledge

Natera, Inc.
Classification: Uncertain significance for Alport syndrome. Last evaluated: 2020-11-03. Review status: no assertion criteria provided. Collection method: clinical testing. Allele origin: germline. Not counted in ClinVar's aggregate classification.

NM_000092.5(COL4A4):c.805A>G (p.Lys269Glu)

Gene: COL4A4 (collagen type IV alpha 4 chain; minus strand). Cytogenetic location: 2q36.3.
Variant type: single nucleotide variant.
Coding change: c.805A>G on transcript NM_000092.5 (MANE Select); coding-DNA position 805, A replaced by G.
Protein change: p.Lys269Glu; replaces lysine 269 with glutamic acid.
Molecular consequence: missense variant.
Genome position (GRCh38, 1-based): chr2:227,103,983, T>C on the plus strand (A>G on the coding strand, the complement: COL4A4 is on the minus strand). VCF-style: chr2-227103983-T-C. GRCh37 (hg19) VCF-style: chr2-227968699-T-C.
Other names: short protein forms K269E.
Identifiers: ClinVar variation 1204505 (VCV001204505.5), dbSNP rs2150805428, ClinGen allele CA350858092.
Genomic context (GRCh38, chr2:227,103,983, plus strand): 5'-ATATTTTCTACTGCTACTTTCCAAGGTGACATATGGATTTGGGAATTACCTTTTCTCCTT[T>C]ATAGAGACAAAAGTCAGGTGGCTCTACCAACAGGGTGGGTCCAGGAGAACCTTGCTGACC-3'
Protein context (NP_000083.3, residues 259-279): LVEPPDFCLY[Lys269Glu]GEKGIKGIPG